The following is an entry in ClinVar:

NM_000784.4(CYP27A1):c.1591T>G (p.Cys531Gly)

Gene: CYP27A1 (cytochrome P450 family 27 subfamily A member 1; plus strand). Cytogenetic location: 2q35.
Variant type: single nucleotide variant.
Coding change: c.1591T>G on transcript NM_000784.4 (MANE Select); coding-DNA position 1591, T replaced by G.
Protein change: p.Cys531Gly; replaces cysteine 531 with glycine.
Molecular consequence: missense variant.
Genome position (GRCh38, 1-based): chr2:218,815,025, T>G. VCF-style: chr2-218815025-T-G. GRCh37 (hg19) VCF-style: chr2-219679748-T-G.
Other names: short protein forms C531G.
Identifiers: ClinVar variation 1347915 (VCV001347915.8), dbSNP rs1943775075, ClinGen allele CA350596962.

ClinVar aggregate classification (germline): Uncertain significance (1 of 4 stars; one submission).

Conditions:
Cholestanol storage disease (CTX). Also called: Cerebrotendinous Xanthomatosis; CTX: Cerebrotendinous xanthomatosis; CEREBRAL CHOLESTERINOSIS. Identifiers: Orphanet 909, MedGen C0238052, MONDO:0008948, OMIM 213700.

gnomAD v4.1: 1 of 1,614,172 alleles (0.000062%); highest among the groups gnomAD compares: Admixed American, 0.0017%; no homozygotes.

Submission:

Labcorp Genetics (formerly Invitae), Labcorp
Classification: Uncertain significance for Cholestanol storage disease. Last evaluated: 2021-04-23. Review status: criteria provided, single submitter. Criteria: Invitae Variant Classification Sherloc (09022015). Collection method: clinical testing. Allele origin: germline.
Comment: This sequence change replaces cysteine with glycine at codon 531 of the CYP27A1 protein (p.Cys531Gly). The cysteine residue is weakly conserved and there is a large physicochemical difference between cysteine and glycine. This variant is not present in population databases (ExAC no frequency). This variant has not been reported in the literature in individuals with CYP27A1-related conditions. Advanced modeling of protein sequence and biophysical properties (such as structural, functional, and spatial information, amino acid conservation, physicochemical variation, residue mobility, and thermodynamic stability) performed at Invitae indicates that this missense variant is not expected to disrupt CYP27A1 protein function. In summary, the available evidence is currently insufficient to determine the role of this variant in disease. Therefore, it has been classified as a Variant of Uncertain Significance.